The following is an entry in ClinVar:

ClinVar aggregate classification (germline): Pathogenic (1 of 4 stars; one submission).

Conditions:
Intellectual developmental disorder, autosomal dominant 6, with or without seizures. Also called: GRIN2B-related developmental delay, intellectual disability and autism spectrum disorder; Intellectual disability, autosomal dominant 6. Identifiers: Orphanet 589547, MedGen C3151411, MONDO:0013509, OMIM 613970.

Submission:

Institute of Human Genetics, University of Leipzig Medical Center
Classification: Pathogenic for Intellectual developmental disorder, autosomal dominant 6, with or without seizures. Last evaluated: 2017-04-04. Review status: criteria provided, single submitter. Criteria: ACMG Guidelines, 2015. Collection method: clinical testing. Allele origin: de novo. Affected: yes.
Comment: This variant was identified as de novo (maternity and paternity confirmed).

Literature cited by the submitters: PubMed 28377535.

NM_000834.5(GRIN2B):c.1623C>G (p.Ser541Arg)

Gene: GRIN2B (glutamate ionotropic receptor NMDA type subunit 2B; minus strand). Cytogenetic location: 12p13.1.
Variant type: single nucleotide variant.
Coding change: c.1623C>G on transcript NM_000834.5 (MANE Select); coding-DNA position 1623, C replaced by G.
Protein change: p.Ser541Arg; replaces serine 541 with arginine.
Molecular consequence: missense variant.
Genome position (GRCh38, 1-based): chr12:13,615,145, G>C on the plus strand (C>G on the coding strand, the complement: GRIN2B is on the minus strand). VCF-style: chr12-13615145-G-C. GRCh37 (hg19) VCF-style: chr12-13768079-G-C.
Other names: short protein forms S541R.
Identifiers: ClinVar variation 916601 (VCV000916601.1), dbSNP rs1949419853, ClinGen allele CA384051734.